The following is an entry in ClinVar:

NM_004369.4(COL6A3):c.5748C>A (p.Asn1916Lys)

Gene: COL6A3 (collagen type VI alpha 3 chain; minus strand). Cytogenetic location: 2q37.3.
Variant type: single nucleotide variant.
Coding change: c.5748C>A on transcript NM_004369.4 (MANE Select); coding-DNA position 5748, C replaced by A.
Protein change: p.Asn1916Lys; replaces asparagine 1916 with lysine.
Molecular consequence: missense variant.
Genome position (GRCh38, 1-based): chr2:237,365,788, G>T on the plus strand (C>A on the coding strand, the complement: COL6A3 is on the minus strand). VCF-style: chr2-237365788-G-T. GRCh37 (hg19) VCF-style: chr2-238274431-G-T.
Other names: c.3927C>A, p.Asn1309Lys (NM_057166.5); c.5130C>A, p.Asn1710Lys (NM_057167.4); short protein forms N1309K, N1710K, N1916K.
Identifiers: ClinVar variation 1055672 (VCV001055672.9), dbSNP rs1159000538, ClinGen allele CA351185791.
Genomic context (GRCh38, chr2:237,365,788, plus strand): 5'-CTTGTTCAGGTAGACCTTCAGGGTGTCCTCCGTGAGGACGTAGGGGTGCTGGCTGCGCAT[G>T]TTCCGGAACTTCTCGAGCATCTCTGGCTGGTACTCGTCAAAGTCAAAGGCCTCCACCGGG-3'
Protein context (NP_004360.2, residues 1906-1926): YQPEMLEKFR[Asn1916Lys]MRSQHPYVLT

ClinVar aggregate classification (germline): Uncertain significance (1 of 4 stars; one submission).

Conditions:
Bethlem myopathy 1A. Also called: Bethlem Muscular Dystrophy; MYOPATHY, BENIGN CONGENITAL, WITH CONTRACTURES; Bethlem myopathy 1. Identifiers: Orphanet 610, MedGen CN029274, MONDO:0024530, OMIM 158810.

Allele frequency attached by ClinVar (database versions not stated): TOPMed below 0.00001; gnomAD 0.00001.
gnomAD v4.1: 1 of 1,614,110 alleles (0.000062%); highest among the groups gnomAD compares: Non-Finnish European, 0.000085%; no homozygotes.

Submission:

Labcorp Genetics (formerly Invitae), Labcorp
Classification: Uncertain significance for Bethlem myopathy 1A. Last evaluated: 2024-12-18. Review status: criteria provided, single submitter. Criteria: Invitae Variant Classification Sherloc (09022015). Collection method: clinical testing. Allele origin: germline.
Comment: This sequence change replaces asparagine, which is neutral and polar, with lysine, which is basic and polar, at codon 1916 of the COL6A3 protein (p.Asn1916Lys). This variant is not present in population databases (gnomAD no frequency). This variant has not been reported in the literature in individuals affected with COL6A3-related conditions. ClinVar contains an entry for this variant (Variation ID: 1055672). Invitae Evidence Modeling of protein sequence and biophysical properties (such as structural, functional, and spatial information, amino acid conservation, physicochemical variation, residue mobility, and thermodynamic stability) indicates that this missense variant is not expected to disrupt COL6A3 protein function with a negative predictive value of 80%. In summary, the available evidence is currently insufficient to determine the role of this variant in disease. Therefore, it has been classified as a Variant of Uncertain Significance.